The following is an entry in ClinVar:

NM_000548.5(TSC2):c.5090C>A (p.Thr1697Asn)

Gene: TSC2 (TSC complex subunit 2; plus strand). Cytogenetic location: 16p13.3.
Variant type: single nucleotide variant.
Coding change: c.5090C>A on transcript NM_000548.5 (MANE Select); coding-DNA position 5090, C replaced by A.
Protein change: p.Thr1697Asn; replaces threonine 1697 with asparagine.
Molecular consequence: missense variant.
Genome position (GRCh38, 1-based): chr16:2,088,069, C>A. VCF-style: chr16-2088069-C-A. GRCh37 (hg19) VCF-style: chr16-2138070-C-A.
Other names: c.4889C>A, p.Thr1630Asn (NM_001077183.3); c.5021C>A, p.Thr1674Asn (NM_001114382.3); c.4781C>A, p.Thr1594Asn (NM_001318827.2); c.4745C>A, p.Thr1582Asn (NM_001318829.2); c.4358C>A, p.Thr1453Asn (NM_001318831.2); c.4922C>A, p.Thr1641Asn (NM_001318832.2); c.4892C>A, p.Thr1631Asn (NM_001363528.2); c.4958C>A, p.Thr1653Asn (NM_001370404.1); and 1 more; short protein forms T1453N, T1582N, T1594N, T1630N, T1631N, T1641N, T1653N, T1654N.
Identifiers: ClinVar variation 1320669 (VCV001320669.11), dbSNP rs777223264, ClinGen allele CA394312100.

ClinVar aggregate classification (germline): Conflicting classifications of pathogenicity. Review status: criteria provided, conflicting classifications (1 of 4 stars). 4 submissions from 4 submitters: Uncertain significance (3); Likely benign (1). Last evaluated 2025-10-29.

Conditions:
Hereditary cancer-predisposing syndrome. Also called: Neoplastic Syndromes, Hereditary; Hereditary Cancer Syndrome; Tumor predisposition; Hereditary neoplastic syndrome. Identifiers: Orphanet 140162, MedGen C0027672, MeSH D009386, MONDO:0015356.
Tuberous sclerosis syndrome (TSC). Also called: Tuberous sclerosis; Tuberous Sclerosis Complex. Identifiers: Orphanet 805, MedGen C0041341, MONDO:0001734.
Tuberous sclerosis 2 (TSC2). Identifiers: Orphanet 805, MedGen C1860707, MONDO:0013199, OMIM 613254.

Submissions (4):

Ambry Genetics
Classification: Uncertain significance for Hereditary cancer-predisposing syndrome. Last evaluated: 2025-10-29. Review status: criteria provided, single submitter. Criteria: Ambry Variant Classification Scheme 2023. Collection method: clinical testing. Allele origin: germline.
Comment: The p.T1697N variant (also known as c.5090C>A), located in coding exon 39 of the TSC2 gene, results from a C to A substitution at nucleotide position 5090. The threonine at codon 1697 is replaced by asparagine, an amino acid with similar properties. This amino acid position is conserved. In addition, the in silico prediction for this alteration is inconclusive. Based on the available evidence, the clinical significance of this variant remains unclear.

All of Us Research Program, National Institutes of Health
Classification: Uncertain significance for Tuberous sclerosis syndrome. Last evaluated: 2024-08-06. Review status: criteria provided, single submitter. Criteria: ACMG Guidelines, 2015. Collection method: clinical testing. Allele origin: germline. Inheritance: Autosomal dominant inheritance. Observed: 1 variant allele, 1 heterozygote.
Comment: This study involves interpretation of variants in research participants for the purpose of population health screening. Participant phenotype was not available at the time of variant classification. Additional details can be found in publication PMID: 35346344, PMCID: PMC8962531

Labcorp Genetics (formerly Invitae), Labcorp
Classification: Uncertain significance for Tuberous sclerosis 2. Last evaluated: 2023-05-04. Review status: criteria provided, single submitter. Criteria: Invitae Variant Classification Sherloc (09022015). Collection method: clinical testing. Allele origin: germline.
Comment: In summary, the available evidence is currently insufficient to determine the role of this variant in disease. Therefore, it has been classified as a Variant of Uncertain Significance. Advanced modeling of protein sequence and biophysical properties (such as structural, functional, and spatial information, amino acid conservation, physicochemical variation, residue mobility, and thermodynamic stability) performed at Invitae indicates that this missense variant is not expected to disrupt TSC2 protein function. ClinVar contains an entry for this variant (Variation ID: 1320669). This variant has not been reported in the literature in individuals affected with TSC2-related conditions. This variant is not present in population databases (gnomAD no frequency). This sequence change replaces threonine, which is neutral and polar, with asparagine, which is neutral and polar, at codon 1697 of the TSC2 protein (p.Thr1697Asn).

GeneDx
Classification: Likely benign. Last evaluated: 2021-12-09. Review status: criteria provided, single submitter. Criteria: GeneDx Variant Classification Process June 2021. Collection method: clinical testing. Allele origin: germline. Affected: yes.
Comment: Not observed in large population cohorts (Lek et al., 2016); In silico analysis supports that this missense variant does not alter protein structure/function; In-silico analysis, which includes splice predictors and evolutionary conservation, is inconclusive as to whether the variant alters gene splicing. In the absence of RNA/functional studies, the actual effect of this sequence change is unknown.; Has not been previously published as pathogenic or benign to our knowledge